The following is an entry in ClinVar:

ClinVar aggregate classification (germline): Uncertain significance (1 of 4 stars; one submission).

gnomAD v4.1: 1 of 1,614,156 alleles (0.000062%); highest among the groups gnomAD compares: East Asian, 0.0022%; no homozygotes.

Submission:

GeneDx
Classification: Uncertain significance. Last evaluated: 2024-03-14. Review status: criteria provided, single submitter. Criteria: GeneDx Variant Classification Process June 2021. Collection method: clinical testing. Allele origin: germline. Affected: yes.
Comment: Not observed at significant frequency in large population cohorts (gnomAD); In silico analysis supports that this missense variant has a deleterious effect on protein structure/function; Has not been previously published as pathogenic or benign to our knowledge

NM_005422.4(TECTA):c.5144A>G (p.Glu1715Gly)

Genes: TBCEL-TECTA (TBCEL-TECTA readthrough; plus strand), TECTA (tectorin alpha; plus strand). Cytogenetic location: 11q23.3.
Variant type: single nucleotide variant.
Coding change: c.5144A>G on transcript NM_005422.4 (MANE Select); coding-DNA position 5144, A replaced by G.
Protein change: p.Glu1715Gly; replaces glutamic acid 1715 with glycine.
Molecular consequence: missense variant.
Genome position (GRCh38, 1-based): chr11:121,162,242, A>G. VCF-style: chr11-121162242-A-G. GRCh37 (hg19) VCF-style: chr11-121032951-A-G.
Other names: c.6086A>G, p.Glu2029Gly (NM_001378761.1); short protein forms E1715G, E2029G.
Identifiers: ClinVar variation 3370731 (VCV003370731.1).